The following is an entry in ClinVar:

ClinVar aggregate classification (germline): Uncertain significance (1 of 4 stars; one submission).

Conditions:
Cardiovascular phenotype. Identifiers: MedGen CN230736.
Hereditary cancer-predisposing syndrome. Also called: Neoplastic Syndromes, Hereditary; Tumor predisposition; Hereditary neoplastic syndrome; Hereditary Cancer Syndrome. Identifiers: Orphanet 140162, MedGen C0027672, MeSH D009386, MONDO:0015356.

Submission:

Ambry Genetics
Classification: Uncertain significance for Cardiovascular phenotype; Hereditary cancer-predisposing syndrome. Last evaluated: 2025-06-01. Review status: criteria provided, single submitter. Criteria: Ambry Variant Classification Scheme 2023. Collection method: clinical testing. Allele origin: germline.
Comment: The p.V224I variant (also known as c.670G>A), located in coding exon 7 of the NF1 gene, results from a G to A substitution at nucleotide position 670. The valine at codon 224 is replaced by isoleucine, an amino acid with highly similar properties. This amino acid position is conserved. In addition, the in silico prediction for this alteration is inconclusive. Based on the available evidence, the clinical significance of this variant remains unclear.

NM_001042492.3(NF1):c.670G>A (p.Val224Ile)

Gene: NF1 (neurofibromin 1; plus strand). Cytogenetic location: 17q11.2.
Variant type: single nucleotide variant.
Coding change: c.670G>A on transcript NM_001042492.3 (MANE Select); coding-DNA position 670, G replaced by A.
Protein change: p.Val224Ile; replaces valine 224 with isoleucine.
Molecular consequence: missense variant.
Genome position (GRCh38, 1-based): chr17:31,181,725, G>A. VCF-style: chr17-31181725-G-A. GRCh37 (hg19) VCF-style: chr17-29508743-G-A.
Other names: c.670G>A, p.Val224Ile (NM_000267.4, NM_001128147.3); short protein forms V224I.
Identifiers: ClinVar variation 4035952 (VCV004035952.1).